The following is an entry in ClinVar:

NM_001136191.3(KANK2):c.832A>G (p.Met278Val)

Gene: KANK2 (KN motif and ankyrin repeat domains 2; minus strand). Cytogenetic location: 19p13.2.
Variant type: single nucleotide variant.
Coding change: c.832A>G on transcript NM_001136191.3 (MANE Select); coding-DNA position 832, A replaced by G.
Protein change: p.Met278Val; replaces methionine 278 with valine.
Molecular consequence: missense variant.
Genome position (GRCh38, 1-based): chr19:11,193,248, T>C on the plus strand (A>G on the coding strand, the complement: KANK2 is on the minus strand). VCF-style: chr19-11193248-T-C. GRCh37 (hg19) VCF-style: chr19-11303924-T-C.
Other names: c.832A>G, p.Met278Val (NM_001329451.2, NM_001379548.1, NM_001379549.1 and 15 more transcripts); short protein forms M278V.
Identifiers: ClinVar variation 3019623 (VCV003019623.3), dbSNP rs149884897, ClinGen allele CA9205963.

ClinVar aggregate classification (germline): Uncertain significance (1 of 4 stars; one submission).

Allele frequency attached by ClinVar (database versions not stated): gnomAD exomes 0.00001; TOPMed 0.00001; ExAC 0.00005; ESP Exome Variant Server 0.00015.
gnomAD v4.1: 22 of 1,610,380 alleles (0.0014%); highest among the groups gnomAD compares: Middle Eastern, 0.033%; no homozygotes.

Submission:

Labcorp Genetics (formerly Invitae), Labcorp
Classification: Uncertain significance. Last evaluated: 2024-07-04. Review status: criteria provided, single submitter. Criteria: Invitae Variant Classification Sherloc (09022015). Collection method: clinical testing. Allele origin: germline.
Comment: This sequence change replaces methionine, which is neutral and non-polar, with valine, which is neutral and non-polar, at codon 278 of the KANK2 protein (p.Met278Val). This variant is present in population databases (rs149884897, gnomAD 0.007%). This variant has not been reported in the literature in individuals affected with KANK2-related conditions. Algorithms developed to predict the effect of missense changes on protein structure and function output the following: SIFT: "Not Available"; PolyPhen-2: "Benign"; Align-GVGD: "Not Available". The valine amino acid residue is found in multiple mammalian species, which suggests that this missense change does not adversely affect protein function. In summary, the available evidence is currently insufficient to determine the role of this variant in disease. Therefore, it has been classified as a Variant of Uncertain Significance.